The following is an entry in ClinVar:

NM_004813.4(PEX16):c.612G>A (p.Glu204=)

Gene: PEX16 (peroxisomal biogenesis factor 16; minus strand). Cytogenetic location: 11p11.2.
Variant type: single nucleotide variant.
Coding change: c.612G>A on transcript NM_004813.4 (MANE Select); coding-DNA position 612, G replaced by A.
Protein change: p.Glu204=; no amino-acid change (glutamic acid 204 retained).
Molecular consequence: synonymous variant.
Genome position (GRCh38, 1-based): chr11:45,914,398, C>T on the plus strand (G>A on the coding strand, the complement: PEX16 is on the minus strand). VCF-style: chr11-45914398-C-T. GRCh37 (hg19) VCF-style: chr11-45935949-C-T.
Other names: c.612G>A, p.Glu204= (NM_057174.3); c.612G>A (NM_004813.2).
Identifiers: ClinVar variation 595888 (VCV000595888.11), dbSNP rs758739455, ClinGen allele CA5959900.

ClinVar aggregate classification (germline): Conflicting classifications of pathogenicity. Review status: criteria provided, conflicting classifications (1 of 4 stars). 3 submissions from 3 submitters: Uncertain significance (1); Likely benign (2). Last evaluated 2026-06-09.

Conditions:
PEX16-related disorder. Also called: PEX16-related condition.
Peroxisome biogenesis disorder. Identifiers: Orphanet 79189, MedGen C1832200, MONDO:0019234. Disease mechanism: loss of function.

Allele frequency attached by ClinVar (database versions not stated): TOPMed 0.00002; gnomAD exomes below 0.00001; ExAC 0.00001; gnomAD 0.00001.
gnomAD v4.1: 7 of 1,609,692 alleles (0.00043%); highest among the groups gnomAD compares: African/African-American, 0.008%; no homozygotes.

Submissions (3):

PreventionGenetics, part of Exact Sciences
Classification: Likely benign for PEX16-related condition. Last evaluated: 2026-06-09. Review status: criteria provided, single submitter. Criteria: ACMG Guidelines, 2015. Collection method: clinical testing. Allele origin: germline.
Comment: This variant is classified as likely benign based on ACMG/AMP sequence variant interpretation guidelines (Richards et al. 2015 PMID: 25741868, with internal and published modifications).

Labcorp Genetics (formerly Invitae), Labcorp
Classification: Likely benign for Peroxisome biogenesis disorder. Last evaluated: 2025-10-14. Review status: criteria provided, single submitter. Criteria: Invitae Variant Classification Sherloc (09022015). Collection method: clinical testing. Allele origin: germline.

Eurofins Ntd Llc (ga)
Classification: Uncertain significance. Last evaluated: 2018-01-26. Review status: criteria provided, single submitter. Criteria: EGL Classification Definitions 2015. Collection method: clinical testing. Allele origin: germline. Observed: 1 variant allele, 1 heterozygote.